The following is an entry in ClinVar:

ClinVar aggregate classification (germline): Benign/Likely benign. Review status: criteria provided, multiple submitters, no conflicts (2 of 4 stars). 9 submissions from 9 submitters: Benign (3); Likely benign (4). 2 of the submissions do not count toward it. Last evaluated 2026-10-01.

Conditions:
TOPORS-related disorder. Also called: TOPORS-related condition.
Retinitis pigmentosa (RP). Identifiers: Orphanet 791, MedGen C0035334, MeSH D012174, MONDO:0019200, OMIM 268000. Inheritance: Autosomal dominant, autosomal recessive and X linked inheritance.

Allele frequency attached by ClinVar (database versions not stated): 1000 Genomes Project 0.00120; 1000 Genomes Project 30x 0.00125; gnomAD 0.00253 and 0.00254; ESP Exome Variant Server 0.00254; TOPMed 0.00257; ExAC 0.00278; gnomAD exomes 0.00287 and 0.00422.
gnomAD v4.1: 6,521 of 1,613,912 alleles (0.4%); highest among the groups gnomAD compares: Non-Finnish European, 0.49%; 19 homozygotes.

Submissions (9):

CeGaT Center for Human Genetics Tuebingen
Classification: Likely benign. Last evaluated: 2026-10-01. Review status: criteria provided, single submitter. Criteria: CeGaT Center For Human Genetics Tuebingen Variant Classification Criteria Version 2. Collection method: clinical testing. Allele origin: germline. Affected: yes. Observed: 6 variant alleles.
Comment: TOPORS: BP4, BS2

PreventionGenetics, part of Exact Sciences
Classification: Benign for TOPORS-related condition. Last evaluated: 2026-08-13. Review status: criteria provided, single submitter. Criteria: ACMG Guidelines, 2015. Collection method: clinical testing. Allele origin: germline.
Comment: This variant is classified as benign based on ACMG/AMP sequence variant interpretation guidelines (Richards et al. 2015 PMID: 25741868, with internal and published modifications).

Labcorp Genetics (formerly Invitae), Labcorp
Classification: Benign. Last evaluated: 2026-01-26. Review status: criteria provided, single submitter. Criteria: Invitae Variant Classification Sherloc (09022015). Collection method: clinical testing. Allele origin: germline.

Blueprint Genetics
Classification: Likely benign. Last evaluated: 2024-11-26. Review status: criteria provided, single submitter. Criteria: ACMG Guidelines, 2015. Collection method: clinical testing. Allele origin: germline.

Illumina Laboratory Services, Illumina
Classification: Likely benign for Retinitis pigmentosa. Last evaluated: 2018-01-13. Review status: criteria provided, single submitter. Criteria: ICSL Variant Classification Criteria 13 December 2019. Collection method: clinical testing. Allele origin: germline.
Comment: This variant was observed in the ICSL laboratory as part of a predisposition screen in an ostensibly healthy population. It had not been previously curated by ICSL or reported in the Human Gene Mutation Database (HGMD: prior to June 1st, 2018), and was therefore a candidate for classification through an automated scoring system. Utilizing variant allele frequency, disease prevalence and penetrance estimates, and inheritance mode, an automated score was calculated to assess if this variant is too frequent to cause the disease. Based on the score and internal cut-off values, a variant classified as likely benign is not then subjected to further curation. The score for this variant resulted in a classification of likely benign for this disease.

Eurofins Ntd Llc (ga)
Classification: Benign. Last evaluated: 2015-02-19. Review status: criteria provided, single submitter. Criteria: EGL Classification Definitions 2015. Collection method: clinical testing. Allele origin: germline. Observed: 2 variant alleles, 2 heterozygotes.

Breakthrough Genomics
Classification: Likely benign. Review status: criteria provided, single submitter. Criteria: ACMG Guidelines, 2015. Collection method: not provided. Allele origin: germline. Inheritance: Unknown mechanism. Affected: yes.

Clinical Genetics DNA and cytogenetics Diagnostics Lab, Erasmus MC, Erasmus Medical Center
Classification: Likely benign. Review status: no assertion criteria provided. Collection method: clinical testing. Allele origin: germline. Affected: yes. Study: VKGL Data-share Consensus. Not counted in ClinVar's aggregate classification.

Clinical Genetics, Academic Medical Center
Classification: Benign. Review status: no assertion criteria provided. Collection method: clinical testing. Allele origin: germline. Affected: yes. Study: VKGL Data-share Consensus. Not counted in ClinVar's aggregate classification.

NM_005802.5(TOPORS):c.2643C>G (p.His881Gln)

Gene: TOPORS (TOP1 binding arginine/serine rich protein, E3 ubiquitin ligase; minus strand). Cytogenetic location: 9p21.1.
Variant type: single nucleotide variant.
Coding change: c.2643C>G on transcript NM_005802.5 (MANE Select); coding-DNA position 2643, C replaced by G.
Protein change: p.His881Gln; replaces histidine 881 with glutamine.
Molecular consequence: missense variant.
Genome position (GRCh38, 1-based): chr9:32,541,882, G>C on the plus strand (C>G on the coding strand, the complement: TOPORS is on the minus strand). VCF-style: chr9-32541882-G-C. GRCh37 (hg19) VCF-style: chr9-32541880-G-C.
Other names: c.2448C>G, p.His816Gln (NM_001195622.2); short protein forms H881Q, H816Q.
Identifiers: ClinVar variation 196426 (VCV000196426.49), dbSNP rs41302222, ClinGen allele CA202367.